The following is an entry in ClinVar:

NM_001868.4(CPA1):c.193G>A (p.Val65Ile)

Gene: CPA1 (carboxypeptidase A1; plus strand). Cytogenetic location: 7q32.2.
Variant type: single nucleotide variant.
Coding change: c.193G>A on transcript NM_001868.4 (MANE Select); coding-DNA position 193, G replaced by A.
Protein change: p.Val65Ile; replaces valine 65 with isoleucine.
Molecular consequence: missense variant.
Genome position (GRCh38, 1-based): chr7:130,381,675, G>A. VCF-style: chr7-130381675-G-A. GRCh37 (hg19) VCF-style: chr7-130021516-G-A.
Other names: short protein forms V65I.
Identifiers: ClinVar variation 3496194 (VCV003496194.1).

ClinVar aggregate classification (germline): Uncertain significance (1 of 4 stars; one submission).

Conditions:
Hereditary pancreatitis (PCTT). Also called: Hereditary chronic pancreatitis; PRSS1-Related Hereditary Pancreatitis. Identifiers: Orphanet 676, MedGen C0238339, MONDO:0008185, OMIM 167800.

gnomAD v4.1: 2 of 1,613,990 alleles (0.00012%); highest among the groups gnomAD compares: Non-Finnish European, 0.00017%; no homozygotes.

Submission:

Ambry Genetics
Classification: Uncertain significance for Hereditary pancreatitis. Last evaluated: 2024-08-16. Review status: criteria provided, single submitter. Criteria: Ambry Variant Classification Scheme 2023. Collection method: clinical testing. Allele origin: germline.
Comment: The p.V65I variant (also known as c.193G>A), located in coding exon 3 of the CPA1 gene, results from a G to A substitution at nucleotide position 193. The valine at codon 65 is replaced by isoleucine, an amino acid with highly similar properties. This amino acid position is conserved. In addition, this alteration is predicted to be tolerated by in silico analysis. Based on the available evidence, the clinical significance of this variant remains unclear.